The following is an entry in ClinVar:

ClinVar aggregate classification (germline): Uncertain significance (1 of 4 stars; one submission).

Conditions:
Familial adenomatous polyposis 1 (FAP1). Also called: POLYPOSIS, ADENOMATOUS INTESTINAL; FAMILIAL ADENOMATOUS POLYPOSIS 1, ATTENUATED. Identifiers: MedGen C2713442, MONDO:0021056, OMIM 175100. Disease mechanism: loss of function.

Allele frequency attached by ClinVar (database versions not stated): ExAC 0.00001.
gnomAD v4.1: 6 of 1,613,984 alleles (0.00037%); highest among the groups gnomAD compares: South Asian, 0.0055%; no homozygotes.

Submission:

Labcorp Genetics (formerly Invitae), Labcorp
Classification: Uncertain significance for Familial adenomatous polyposis 1. Last evaluated: 2022-01-27. Review status: criteria provided, single submitter. Criteria: Invitae Variant Classification Sherloc (09022015). Collection method: clinical testing. Allele origin: germline.
Comment: This sequence change replaces proline, which is neutral and non-polar, with histidine, which is basic and polar, at codon 2284 of the APC protein (p.Pro2284His). This variant is present in population databases (rs200468360, gnomAD 0.006%). This variant has not been reported in the literature in individuals affected with APC-related conditions. ClinVar contains an entry for this variant (Variation ID: 659689). Algorithms developed to predict the effect of missense changes on protein structure and function are either unavailable or do not agree on the potential impact of this missense change (SIFT: "Tolerated"; PolyPhen-2: "Probably Damaging"; Align-GVGD: "Class C0"). In summary, the available evidence is currently insufficient to determine the role of this variant in disease. Therefore, it has been classified as a Variant of Uncertain Significance.

NM_000038.6(APC):c.6851C>A (p.Pro2284His)

Gene: APC (APC regulator of Wnt signaling pathway; plus strand). Cytogenetic location: 5q22.2.
Variant type: single nucleotide variant.
Coding change: c.6851C>A on transcript NM_000038.6 (MANE Select); coding-DNA position 6851, C replaced by A.
Protein change: p.Pro2284His; replaces proline 2284 with histidine.
Molecular consequence: missense variant.
Genome position (GRCh38, 1-based): chr5:112,842,445, C>A. VCF-style: chr5-112842445-C-A. GRCh37 (hg19) VCF-style: chr5-112178142-C-A.
Other names: c.6851C>A, p.Pro2284His (NM_001127510.3, NM_001354895.2); c.6797C>A, p.Pro2266His (NM_001127511.3); c.6905C>A, p.Pro2302His (NM_001354896.2); c.6881C>A, p.Pro2294His (NM_001354897.2); c.6776C>A, p.Pro2259His (NM_001354898.2); c.6767C>A, p.Pro2256His (NM_001354899.2); c.6728C>A, p.Pro2243His (NM_001354900.2); c.6674C>A, p.Pro2225His (NM_001354901.2); and 5 more; short protein forms P2193H, P2256H, P2284H, P2294H, P2302H, P2001H, P2124H, P2259H.
Identifiers: ClinVar variation 659689 (VCV000659689.9), dbSNP rs200468360, ClinGen allele CA046285.